The following is an entry in ClinVar:

NM_003193.5(TBCE):c.1465C>G (p.Leu489Val)

Genes: B3GALNT2 (beta-1,3-N-acetylgalactosaminyltransferase 2; minus strand), TBCE (tubulin folding cofactor E; plus strand). Cytogenetic location: 1q42.3.
Variant type: single nucleotide variant.
Coding change: c.1465C>G on transcript NM_003193.5 (MANE Select); coding-DNA position 1465, C replaced by G.
Protein change: p.Leu489Val; replaces leucine 489 with valine.
Molecular consequence: missense variant. On other transcripts: 3 prime UTR variant (1).
Genome position (GRCh38, 1-based): chr1:235,448,414, C>G. VCF-style: chr1-235448414-C-G. GRCh37 (hg19) VCF-style: chr1-235611729-C-G.
Other names: c.*1792G>C (NM_152490.5); c.1465C>G, p.Leu489Val (NM_001079515.3); c.1618C>G, p.Leu540Val (NM_001287801.2); c.1126C>G, p.Leu376Val (NM_001287802.2); short protein forms L489V, L376V, L540V.
Identifiers: ClinVar variation 2066335 (VCV002066335.4), dbSNP rs143917509, ClinGen allele CA344951998.

ClinVar aggregate classification (germline): Uncertain significance (1 of 4 stars; one submission).

Submission:

Labcorp Genetics (formerly Invitae), Labcorp
Classification: Uncertain significance. Last evaluated: 2022-02-01. Review status: criteria provided, single submitter. Criteria: Invitae Variant Classification Sherloc (09022015). Collection method: clinical testing. Allele origin: germline.
Comment: In summary, the available evidence is currently insufficient to determine the role of this variant in disease. Therefore, it has been classified as a Variant of Uncertain Significance. Algorithms developed to predict the effect of missense changes on protein structure and function (SIFT, PolyPhen-2, Align-GVGD) all suggest that this variant is likely to be tolerated. This variant has not been reported in the literature in individuals affected with TBCE-related conditions. This variant is not present in population databases (gnomAD no frequency). This sequence change replaces leucine, which is neutral and non-polar, with valine, which is neutral and non-polar, at codon 489 of the TBCE protein (p.Leu489Val).